The following is an entry in ClinVar:

ClinVar aggregate classification (germline): Uncertain significance (1 of 4 stars; one submission).

Submission:

Labcorp Genetics (formerly Invitae), Labcorp
Classification: Uncertain significance. Last evaluated: 2025-09-22. Review status: criteria provided, single submitter. Criteria: Invitae Variant Classification Sherloc (09022015). Collection method: clinical testing. Allele origin: germline.
Comment: This sequence change creates a premature translational stop signal (p.Arg595Alafs*10) in the FBN3 gene. It is expected to result in an absent or disrupted protein product. However, the current clinical and genetic evidence is not sufficient to establish whether loss-of-function variants in FBN3 cause disease. This variant is not present in population databases (gnomAD no frequency). This variant has not been reported in the literature in individuals affected with FBN3-related conditions. In summary, the available evidence is currently insufficient to determine the role of this variant in disease. Therefore, it has been classified as a Variant of Uncertain Significance.

NM_032447.5(FBN3):c.1783del (p.Arg595fs)

Gene: FBN3 (fibrillin 3; minus strand). Cytogenetic location: 19p13.2.
Variant type: Deletion.
Coding change: c.1783del on transcript NM_032447.5 (MANE Select); coding-DNA position 1783, one base deleted (C; older notation c.1783delC).
Protein change: p.Arg595fs; shifts the reading frame from arginine 595.
Molecular consequence: frameshift variant.
Genome position (GRCh38, 1-based): chr19:8,131,761, G deleted on the plus strand (C on the coding strand, the reverse complement: FBN3 is on the minus strand); the first of 2 consecutive G bases (chr19:8,131,761-8,131,762); deleting either gives the same sequence. VCF-style (leftmost placement, unchanged base first): chr19-8131760-CG-C. GRCh37 (hg19) VCF-style: chr19-8196644-CG-C.
Other names: c.1783del, p.Arg595fs (NM_001321431.2); short protein forms R595fs.
Identifiers: ClinVar variation 4692856 (VCV004692856.1).
Genomic context (GRCh38, chr19:8,131,760, plus strand): 5'-TGGGTGTCCACGCACACGCGGCCATCCGTGCCTACCGCCAGCCCCCCCAGGCACTGGCAG[CG>C]GAAGGAGCCCTCGGTGTTGGTACAGTGGCCGTTCACGCAGATGCCGGGCGTCTGGCACTC-3'